The following is an entry in ClinVar:

NM_001128840.3(CACNA1D):c.311G>A (p.Arg104His)

Gene: CACNA1D (calcium voltage-gated channel subunit alpha1 D; plus strand). Cytogenetic location: 3p21.1.
Variant type: single nucleotide variant.
Coding change: c.311G>A on transcript NM_001128840.3 (MANE Select); coding-DNA position 311, G replaced by A.
Protein change: p.Arg104His; replaces arginine 104 with histidine.
Molecular consequence: missense variant.
Genome position (GRCh38, 1-based): chr3:53,497,395, G>A. VCF-style: chr3-53497395-G-A. GRCh37 (hg19) VCF-style: chr3-53531422-G-A.
Other names: c.311G>A, p.Arg104His (NM_000720.4, NM_001128839.3); short protein forms R104H.
Identifiers: ClinVar variation 3714266 (VCV003714266.2).

ClinVar aggregate classification (germline): Uncertain significance (1 of 4 stars; one submission).

gnomAD v4.1: 39 of 1,614,064 alleles (0.0024%); highest among the groups gnomAD compares: South Asian, 0.0077%; no homozygotes.

Submission:

Labcorp Genetics (formerly Invitae), Labcorp
Classification: Uncertain significance. Last evaluated: 2025-12-14. Review status: criteria provided, single submitter. Criteria: Invitae Variant Classification Sherloc (09022015). Collection method: clinical testing. Allele origin: germline.
Comment: This sequence change replaces arginine, which is basic and polar, with histidine, which is basic and polar, at codon 104 of the CACNA1D protein (p.Arg104His). This variant is present in population databases (rs144915770, gnomAD 0.009%). This variant has not been reported in the literature in individuals affected with CACNA1D-related conditions. ClinVar contains an entry for this variant (Variation ID: 3714266). Invitae Evidence Modeling of protein sequence and biophysical properties (such as structural, functional, and spatial information, amino acid conservation, physicochemical variation, residue mobility, and thermodynamic stability) indicates that this missense variant is not expected to disrupt CACNA1D protein function with a negative predictive value of 80%. In summary, the available evidence is currently insufficient to determine the role of this variant in disease. Therefore, it has been classified as a Variant of Uncertain Significance.